The following is an entry in ClinVar:

NM_031276.3(TEX11):c.536A>G (p.Gln179Arg)

Gene: TEX11 (testis expressed 11; minus strand). Cytogenetic location: Xq13.1.
Variant type: single nucleotide variant.
Coding change: c.536A>G on transcript NM_031276.3 (MANE Select); coding-DNA position 536, A replaced by G.
Protein change: p.Gln179Arg; replaces glutamine 179 with arginine.
Molecular consequence: missense variant.
Genome position (GRCh38, 1-based): chrX:70,833,583, T>C on the plus strand (A>G on the coding strand, the complement: TEX11 is on the minus strand). VCF-style: chrX-70833583-T-C. GRCh37 (hg19) VCF-style: chrX-70053433-T-C.
Other names: c.581A>G, p.Gln194Arg (NM_001003811.2); short protein forms Q179R, Q194R.
Identifiers: ClinVar variation 3234376 (VCV003234376.20), dbSNP rs779629000, ClinGen allele CA10442879.
Genomic context (GRCh38, chrX:70,833,583, plus strand): 5'-AGCCTCATCAACATATCTTTACATTGCAGTACACACATAGATGCTCTTTGAAAATCCCCT[T>C]GAGCAACTGCCTGAAAAAGATAAAGAATGTCAATAATTGGTTAAAATGACAAGGTTATTT-3'
Protein context (NP_112566.2, residues 169-189): LSYQAESAVA[Gln179Arg]GDFQRASMCV

ClinVar aggregate classification (germline): Likely benign (1 of 4 stars; one submission).

Allele frequency attached by ClinVar (database versions not stated): gnomAD exomes below 0.00001; gnomAD 0.00001; TOPMed 0.00001; ExAC 0.00002.
gnomAD v4.1: 6 of 1,195,109 alleles (0.0005%); highest among the groups gnomAD compares: South Asian, 0.0018%; no homozygotes.

Submission:

CeGaT Center for Human Genetics Tuebingen
Classification: Likely benign. Last evaluated: 2025-02-01. Review status: criteria provided, single submitter. Criteria: CeGaT Center For Human Genetics Tuebingen Variant Classification Criteria Version 2. Collection method: clinical testing. Allele origin: germline. Affected: yes. Observed: 2 variant alleles.
Comment: TEX11: BP4